The following is an entry in ClinVar:

ClinVar aggregate classification (germline): Conflicting classifications of pathogenicity. Review status: criteria provided, conflicting classifications (1 of 4 stars). 4 submissions from 4 submitters: Uncertain significance (3); Likely benign (1). Last evaluated 2026-04-27.

Conditions:
Inborn genetic diseases. Identifiers: MedGen C0950123, MeSH D030342.
Charcot-Marie-Tooth disease axonal type 2O. Also called: CHARCOT-MARIE-TOOTH NEUROPATHY, AXONAL, TYPE 2O; CHARCOT-MARIE-TOOTH DISEASE, AXONAL, AUTOSOMAL DOMINANT, TYPE 2O; Charcot-Marie-Tooth Neuropathy Type 2O; Charcot-Marie-Tooth disease, axonal, type 20. Identifiers: Orphanet 284232, MedGen C3280220, MONDO:0013644, OMIM 614228.

Allele frequency attached by ClinVar (database versions not stated): gnomAD exomes below 0.00001; TOPMed below 0.00001.
gnomAD v4.1: 2 of 1,614,254 alleles (0.00012%); highest among the groups gnomAD compares: Non-Finnish European, 0.00017%; no homozygotes.

Submissions (4):

Women's Health and Genetics/Laboratory Corporation of America, LabCorp
Classification: Uncertain significance. Last evaluated: 2026-04-27. Review status: criteria provided, single submitter. Criteria: LabCorp Variant Classification Summary - May 2015. Collection method: clinical testing. Allele origin: germline.
Comment: Variant summary: DYNC1H1 c.4768G>C (p.Asp1590His) results in a non-conservative amino acid change in the encoded protein sequence. Algorithms developed to predict the effect of missense changes on protein structure and function all suggest that this variant is likely to be disruptive. The variant was absent in 251462 control chromosomes. The available data on variant occurrences in the general population are insufficient to allow any conclusion about variant significance. To our knowledge, no occurrence of c.4768G>C in individuals affected with DYNC1H1-related conditions and no experimental evidence demonstrating its impact on protein function have been reported. ClinVar contains an entry for this variant (Variation ID: 864203). Based on the evidence outlined above, the variant was classified as uncertain significance.

Labcorp Genetics (formerly Invitae), Labcorp
Classification: Likely benign for Charcot-Marie-Tooth disease axonal type 2O. Last evaluated: 2023-10-03. Review status: criteria provided, single submitter. Criteria: Invitae Variant Classification Sherloc (09022015). Collection method: clinical testing. Allele origin: germline.

GeneDx
Classification: Uncertain significance. Last evaluated: 2021-02-01. Review status: criteria provided, single submitter. Criteria: GeneDx Variant Classification Process June 2021. Collection method: clinical testing. Allele origin: germline. Affected: yes.
Comment: In silico analysis supports that this missense variant has a deleterious effect on protein structure/function; Has not been previously published as pathogenic or benign to our knowledge

Ambry Genetics
Classification: Uncertain significance for Inborn genetic diseases. Last evaluated: 2020-12-18. Review status: criteria provided, single submitter. Criteria: Ambry Variant Classification Scheme 2023. Collection method: clinical testing. Allele origin: germline.
Comment: The c.4768G>C (p.D1590H) alteration is located in exon 23 (coding exon 23) of the DYNC1H1 gene. This alteration results from a G to C substitution at nucleotide position 4768, causing the aspartic acid (D) at amino acid position 1590 to be replaced by a histidine (H). The in silico prediction for the p.D1590H alteration is inconclusive. Based on insufficient or conflicting evidence, the clinical significance of this alteration remains unclear.

NM_001376.5(DYNC1H1):c.4768G>C (p.Asp1590His)

Gene: DYNC1H1 (dynein cytoplasmic 1 heavy chain 1; plus strand). Cytogenetic location: 14q32.31.
Variant type: single nucleotide variant.
Coding change: c.4768G>C on transcript NM_001376.5 (MANE Select); coding-DNA position 4768, G replaced by C.
Protein change: p.Asp1590His; replaces aspartic acid 1590 with histidine.
Molecular consequence: missense variant.
Genome position (GRCh38, 1-based): chr14:102,002,850, G>C. VCF-style: chr14-102002850-G-C. GRCh37 (hg19) VCF-style: chr14-102469187-G-C.
Other names: short protein forms D1590H.
Identifiers: ClinVar variation 864203 (VCV000864203.14), dbSNP rs200700087, ClinGen allele CA266995847.